The following is an entry in ClinVar:

ClinVar aggregate classification (germline): Likely benign (1 of 4 stars; one submission).

Allele frequency attached by ClinVar (database versions not stated): gnomAD exomes below 0.00001.
gnomAD v4.1: 3 of 1,613,834 alleles (0.00019%); highest among the groups gnomAD compares: Middle Eastern, 0.017%; no homozygotes.

Submission:

CeGaT Center for Human Genetics Tuebingen
Classification: Likely benign. Last evaluated: 2023-05-01. Review status: criteria provided, single submitter. Criteria: CeGaT Center For Human Genetics Tuebingen Variant Classification Criteria Version 2. Collection method: clinical testing. Allele origin: germline. Affected: yes. Observed: 1 variant allele.
Comment: KIFBP: BP4, BP7

NM_015634.4(KIFBP):c.819A>G (p.Leu273=)

Gene: KIFBP (kinesin family binding protein; plus strand). Cytogenetic location: 10q22.1.
Variant type: single nucleotide variant.
Coding change: c.819A>G on transcript NM_015634.4 (MANE Select); coding-DNA position 819, A replaced by G.
Protein change: p.Leu273=; no amino-acid change (leucine 273 retained).
Molecular consequence: synonymous variant.
Genome position (GRCh38, 1-based): chr10:69,008,870, A>G. VCF-style: chr10-69008870-A-G. GRCh37 (hg19) VCF-style: chr10-70768626-A-G.
Identifiers: ClinVar variation 2640541 (VCV002640541.24), dbSNP rs1203881667, ClinGen allele CA470010646.
Genomic context (GRCh38, chr10:69,008,870, plus strand): 5'-TTGCATTCACTGTTGTTTATTTCCCCAATAGCTATGCTTTATGGAGGCCAGGCACTGTTT[A>G]TCAGCTGCTAATGTCATTTTTGGTCAAACTGGAAAGATCTCAGCCACAGAAGACAGTAAG-3'
Protein context (NP_056449.1, residues 263-283): KLCFMEARHC[Leu273=]SAANVIFGQT